The following is an entry in ClinVar:

NM_018474.6(KIZ):c.505A>G (p.Ser169Gly)

Gene: KIZ (kizuna centrosomal protein; plus strand). Cytogenetic location: 20p11.23.
Variant type: single nucleotide variant.
Coding change: c.505A>G on transcript NM_018474.6 (MANE Select); coding-DNA position 505, A replaced by G.
Protein change: p.Ser169Gly; replaces serine 169 with glycine.
Molecular consequence: missense variant.
Genome position (GRCh38, 1-based): chr20:21,161,970, A>G. VCF-style: chr20-21161970-A-G. GRCh37 (hg19) VCF-style: chr20-21142611-A-G.
Other names: c.196A>G, p.Ser66Gly (NM_001163022.3, NM_001352435.2); c.106A>G, p.Ser36Gly (NM_001163023.3); c.358A>G, p.Ser120Gly (NM_001276389.2); c.505A>G, p.Ser169Gly (NM_001352434.2); c.163A>G, p.Ser55Gly (NM_001352436.2); short protein forms S55G, S36G, S120G, S169G, S66G.
Identifiers: ClinVar variation 853402 (VCV000853402.7), dbSNP rs200388739, ClinGen allele CA9784659.

ClinVar aggregate classification (germline): Conflicting classifications of pathogenicity. Review status: criteria provided, conflicting classifications (1 of 4 stars). 2 submissions from 2 submitters: Uncertain significance (1); Likely benign (1). Last evaluated 2024-10-31.

Allele frequency attached by ClinVar (database versions not stated): ESP Exome Variant Server 0.00008; 1000 Genomes Project 30x 0.00016; ExAC 0.00026; gnomAD exomes 0.00029 and 0.00033; gnomAD 0.00037 and 0.00038; TOPMed 0.00039.
gnomAD v4.1: 485 of 1,614,018 alleles (0.03%); highest among the groups gnomAD compares: Middle Eastern, 0.082%; no homozygotes.

Submissions (2):

Blueprint Genetics
Classification: Likely benign. Last evaluated: 2024-10-31. Review status: criteria provided, single submitter. Criteria: ACMG Guidelines, 2015. Collection method: clinical testing. Allele origin: germline.

Labcorp Genetics (formerly Invitae), Labcorp
Classification: Uncertain significance. Last evaluated: 2024-01-08. Review status: criteria provided, single submitter. Criteria: Invitae Variant Classification Sherloc (09022015). Collection method: clinical testing. Allele origin: germline.
Comment: This sequence change replaces serine, which is neutral and polar, with glycine, which is neutral and non-polar, at codon 169 of the KIZ protein (p.Ser169Gly). This variant is present in population databases (rs200388739, gnomAD 0.09%). This variant has not been reported in the literature in individuals affected with KIZ-related conditions. ClinVar contains an entry for this variant (Variation ID: 853402). Experimental studies and prediction algorithms are not available or were not evaluated, and the functional significance of this variant is currently unknown. In summary, the available evidence is currently insufficient to determine the role of this variant in disease. Therefore, it has been classified as a Variant of Uncertain Significance.